The following is an entry in ClinVar:

ClinVar aggregate classification (germline): Uncertain significance. Review status: criteria provided, multiple submitters, no conflicts (2 of 4 stars). 2 submissions from 2 submitters: Uncertain significance (2). Last evaluated 2026-02-11.

Conditions:
Predisposition to Wilms tumor.

gnomAD v4.1: 9 of 1,613,888 alleles (0.00056%); highest among the groups gnomAD compares: Non-Finnish European, 0.00034%; no homozygotes.

Submissions (2):

St. Jude Molecular Pathology, St. Jude Children's Research Hospital
Classification: Uncertain significance for Predisposition to Wilms tumor. Last evaluated: 2026-02-11. Review status: criteria provided, single submitter. Criteria: St. Jude Assertion Criteria 2020. Collection method: clinical testing. Allele origin: germline.
Comment: The CTR9 c.1699G>T p.(Ala567Ser) missense change has an unreliable population frequency estimate in gnomAD v2.1.1 due to poor data quality at this location. The in silico tool REVEL is inconclusive about a pathogenic or benign effect of this variant on protein function, and to our knowledge functional studies have not been performed. To our knowledge, this variant has not been reported in individuals with Wilms tumor. In summary, the evidence currently available is insufficient to determine the clinical significance of this variant. It has therefore been classified as of uncertain significance.

Labcorp Genetics (formerly Invitae), Labcorp
Classification: Uncertain significance. Last evaluated: 2024-06-21. Review status: criteria provided, single submitter. Criteria: Invitae Variant Classification Sherloc (09022015). Collection method: clinical testing. Allele origin: germline.
Comment: This sequence change replaces alanine, which is neutral and non-polar, with serine, which is neutral and polar, at codon 567 of the CTR9 protein (p.Ala567Ser). The frequency data for this variant in the population databases is considered unreliable, as metrics indicate poor data quality at this position in the gnomAD database. This variant has not been reported in the literature in individuals affected with CTR9-related conditions. An algorithm developed to predict the effect of missense changes on protein structure and function (PolyPhen-2) suggests that this variant is likely to be tolerated. In summary, the available evidence is currently insufficient to determine the role of this variant in disease. Therefore, it has been classified as a Variant of Uncertain Significance.

NM_014633.5(CTR9):c.1699G>T (p.Ala567Ser)

Gene: CTR9 (CTR9 component of Paf1/RNA polymerase II complex; plus strand). Cytogenetic location: 11p15.4.
Variant type: single nucleotide variant.
Coding change: c.1699G>T on transcript NM_014633.5 (MANE Select); coding-DNA position 1699, G replaced by T.
Protein change: p.Ala567Ser; replaces alanine 567 with serine.
Molecular consequence: missense variant.
Genome position (GRCh38, 1-based): chr11:10,767,818, G>T. VCF-style: chr11-10767818-G-T. GRCh37 (hg19) VCF-style: chr11-10789365-G-T.
Other names: c.1699G>T, p.Ala567Ser (NM_001346279.2); short protein forms A567S.
Identifiers: ClinVar variation 3713156 (VCV003713156.3).